The following is an entry in ClinVar:

NM_152657.4(GGN):c.1471G>A (p.Asp491Asn)

Gene: GGN (gametogenetin; minus strand). Cytogenetic location: 19q13.2.
Variant type: single nucleotide variant.
Coding change: c.1471G>A on transcript NM_152657.4 (MANE Select); coding-DNA position 1471, G replaced by A.
Protein change: p.Asp491Asn; replaces aspartic acid 491 with asparagine.
Molecular consequence: missense variant.
Genome position (GRCh38, 1-based): chr19:38,385,791, C>T on the plus strand (G>A on the coding strand, the complement: GGN is on the minus strand). VCF-style: chr19-38385791-C-T. GRCh37 (hg19) VCF-style: chr19-38876431-C-T.
Other names: short protein forms D491N.
Identifiers: ClinVar variation 708829 (VCV000708829.7), dbSNP rs200124007, ClinGen allele CA9414125.
Genomic context (GRCh38, chr19:38,385,791, plus strand): 5'-CAGGCGGCGAGGGCTCAGCCACGGTGGGAGCTGGAGCCGGGGATGGGGCCGGGGCCTGGT[C>T]GGCGGCTAAGGCTGGGGGCAGAGCAGGGGCTGCGGTGGGAGCCAGGGCTGACTCCTTGTG-3'
Protein context (NP_689870.3, residues 481-501): APALPPALAA[Asp491Asn]QAPAPSPAPA

ClinVar aggregate classification (germline): Likely benign. Review status: criteria provided, multiple submitters, no conflicts (2 of 4 stars). 3 submissions from 3 submitters: Likely benign (2). 1 of the submissions does not count toward it. Last evaluated 2019-12-31.

Conditions:
GGN-related disorder. Also called: GGN-related condition.

Allele frequency attached by ClinVar (database versions not stated): gnomAD 0.00134; TOPMed 0.00216; 1000 Genomes Project 30x 0.00234; 1000 Genomes Project 0.00240.
gnomAD v4.1: 3,599 of 1,548,736 alleles (0.23%); highest among the groups gnomAD compares: Middle Eastern, 0.46%; 8 homozygotes.

Submissions (3):

Labcorp Genetics (formerly Invitae), Labcorp
Classification: Likely benign. Last evaluated: 2019-12-31. Review status: criteria provided, single submitter. Criteria: Invitae Variant Classification Sherloc (09022015). Collection method: clinical testing. Allele origin: germline.

Breakthrough Genomics
Classification: Likely benign. Review status: criteria provided, single submitter. Criteria: ACMG Guidelines, 2015. Collection method: not provided. Allele origin: germline. Inheritance: Autosomal recessive inheritance. Affected: yes.

PreventionGenetics, part of Exact Sciences
Classification: Likely benign for GGN-related condition. Last evaluated: 2023-05-31. Review status: no assertion criteria provided. Collection method: clinical testing. Allele origin: germline. Not counted in ClinVar's aggregate classification.
Comment: This variant is classified as likely benign based on ACMG/AMP sequence variant interpretation guidelines (Richards et al. 2015 PMID: 25741868, with internal and published modifications).